The following continues an entry in ClinVar:

NM_000492.4(CFTR):c.4056G>T (p.Gln1352His)

Gene: CFTR. ClinVar aggregate classification (germline): Conflicting classifications of pathogenicity. Pathogenic (1); Likely pathogenic (2); Uncertain significance (6); Likely benign (1).

Submissions 6 to 10 of 10:

PreventionGenetics, part of Exact Sciences
Classification: Uncertain significance for CFTR-related condition. Last evaluated: 2025-06-25. Review status: criteria provided, single submitter. Criteria: ACMG Guidelines, 2015. Collection method: clinical testing. Allele origin: germline.
Comment: The CFTR c.4056G>T variant is predicted to result in the amino acid substitution p.Gln1352His. This variant has been reported in the heterozygous state in patients with congenital bilateral absence of vas deferens (>T; Table 2 and 4 in Claustres. 2017. PubMed ID: 28603918). This variant is reported in 0.046% of alleles in individuals of South Asian descent in gnomAD. A different nucleotide change that results in the same amino acid change (c.4056G>C, p.Gln1352His) has been reported on extensively in the literature. The c.4056G>C, p.Gln1352His variant has been reported in patients with several different phenotypes including asthma, alcoholic chronic pancreatitis, idiopathic chronic pancreatitis, azoospermic males, and bronchiectasis (Cho. 2016. PubMed ID: 27578509; Gallati. 2009. PubMed ID: 20021716; Kondo. 2015. PubMed ID: 26089335; Pall. 2007. PubMed ID: 17719933). The c.4056G>C (p.Gln1352His) variant has been found at higher rates in Asian patients with pancreatitis (12.3%) compared to unaffected controls (3.7%) (Fujiki et al. 2004. PubMed ID: 15121783). However, the majority of these studies were conducted in Eastern Asian population cohorts where the c.4056G>C variant is found at a higher allele frequency (~1.3% in East Asians). Functional studies in CHO cell lines indicate the p.Gln1352His change decreases CFTR protein expression and chloride channel function (Lee et al. 2003. PubMed ID: 12952861; Fujiki. 2004. PubMed ID: 15121783; Ngiam. 2006. PubMed ID: 16678503). However, no family studies have been conducted to determine if the c.4056G>C variant segregates with disease in individual families and to our knowledge, no homozygous c.4056G>C individuals have been reported with a CFTR-related disorder. The c.4056G>T has conflicting interpretations in ClinVar ranging from likely benign to pathogenic. In summary, it is possible that the p.Gln1352His variant is associated with mild CFTR-related phenotypes or exhibits reduced penetrance . However, without additional conclusive evidence, the clinical significance of this variant remains uncertain.

Quest Diagnostics Nichols Institute San Juan Capistrano
Classification: Uncertain significance. Last evaluated: 2025-01-24. Review status: criteria provided, single submitter. Criteria: Quest Diagnostics criteria. Collection method: clinical testing. Allele origin: unknown.
Comment: The CFTR c.4056G>T (p.Gln1352His) variant has been reported in the published literature in multiple individuals affected with CFTR related diseases, including pancreatitis and CBAVD (PMIDs: 15463840 (2003), 15121783 (2004), 22483971 (2012), 27578509 (2016), and 28603918 (2017)). A functional study reported a variant at the same codon had a deleterious effect on CFTR protein expression and channel activity (PMID: 12952861 (2003)). The frequency of this variant in the general population (Genome Aggregation Database) is uninformative in the assessment of its pathogenicity. Analysis of this variant using bioinformatics tools for the prediction of the effect of amino acid changes on protein structure and function yielded predictions that this variant is damaging. Based on the available information, we are unable to determine the clinical significance of this variant.

Sema4
Classification: Likely pathogenic for Hereditary pancreatitis. Last evaluated: 2021-05-24. Review status: criteria provided, single submitter. Criteria: Sema4 Curation Guidelines. Collection method: curation. Allele origin: germline.
Comment: The CFTR c.4056G>T (p.Q1352H) variant has been reported in heterozygosity and in compound heterozygosity in numerous individuals with pancreatitis, congenital bilateral absence of the vas deferens, or cystic fibrosis (PMID: 30420730, 29173301, 27578509, 15121783, 16187186, 9239681, 9272157, 15463840, 17329263, 21520337, 30450785). This variant has also been reported in at least one individual with azoospermia, at least two individuals with severe asthma, and primary sclerosing cholangitis (PMID: 24697796, 16678503, 17719933). This variant has been shown to be enriched in Asian pancreatitis patients compared to unaffected individuals (OR: 3.24, (95% CI:1.62-6.48, P: <0.001); PMID:30420730). Functional studies have shown that this variant results in a significant reduction in CFTR-dependent Cl- currents and HCO3--transport activities in transfected CHO-K1 cells and completely abolishes CFTR-dependent Cl- channel activity when expressed in V470 background (PMID: 12952861, 15829248). This variant was identified in at least one cystic fibrosis affected family; however, segregation of the variant with the phenotype was not observed (PMID:16596947). It was observed in 14/30616 chromosomes, including 0 homozygotes, in the South Asian subpopulation in the Genome Aggregation Database (PMID: 32461654). The variant has been reported in ClinVar (Variation ID: 35882). In silico tools suggest the impact of the variant on protein function is deleterious. Based on the current evidence available, this variant is interpreted as likely pathogenic.

Mayo Clinic Laboratories, Mayo Clinic
Classification: Uncertain significance. Last evaluated: 2019-08-13. Review status: criteria provided, single submitter. Criteria: ACMG Guidelines, 2015. Collection method: clinical testing. Allele origin: germline.

Blueprint Genetics
Classification: Uncertain significance. Last evaluated: 2019-05-27. Review status: criteria provided, single submitter. Criteria: ACMG Guidelines, 2015. Collection method: clinical testing. Allele origin: germline.

Literature cited by the submitters: PubMed 9272157 (cited by Women's Health and Genetics/Laboratory Corporation of America, LabCorp and Sema4); PubMed 15705292 (cited by Women's Health and Genetics/Laboratory Corporation of America, LabCorp); PubMed 15121783 (cited by 4 submitters); PubMed 12952861 (cited by 4 submitters); PubMed 9239681 (cited by Women's Health and Genetics/Laboratory Corporation of America, LabCorp and Sema4); PubMed 16678503 (cited by 4 submitters); PubMed 18304229 (cited by Women's Health and Genetics/Laboratory Corporation of America, LabCorp and Quest Diagnostics Nichols Institute San Juan Capistrano); PubMed 19812525 (cited by Women's Health and Genetics/Laboratory Corporation of America, LabCorp and Quest Diagnostics Nichols Institute San Juan Capistrano); PubMed 17329263 (cited by Women's Health and Genetics/Laboratory Corporation of America, LabCorp and Sema4); PubMed 17003641 (cited by Women's Health and Genetics/Laboratory Corporation of America, LabCorp and Quest Diagnostics Nichols Institute San Juan Capistrano); PubMed 16596947 (cited by Women's Health and Genetics/Laboratory Corporation of America, LabCorp and Sema4); PubMed 14998948 (cited by Women's Health and Genetics/Laboratory Corporation of America, LabCorp); PubMed 20722470 (cited by Women's Health and Genetics/Laboratory Corporation of America, LabCorp); PubMed 16435054 (cited by Women's Health and Genetics/Laboratory Corporation of America, LabCorp); PubMed 15829248 (cited by Women's Health and Genetics/Laboratory Corporation of America, LabCorp and Sema4); PubMed 15645635 (cited by Women's Health and Genetics/Laboratory Corporation of America, LabCorp); PubMed 20021716 (cited by Women's Health and Genetics/Laboratory Corporation of America, LabCorp and Quest Diagnostics Nichols Institute San Juan Capistrano); PubMed 21520337 (cited by 3 submitters); PubMed 22664493 (cited by Women's Health and Genetics/Laboratory Corporation of America, LabCorp); PubMed 22324837 (cited by Women's Health and Genetics/Laboratory Corporation of America, LabCorp); PubMed 25735457 (cited by Women's Health and Genetics/Laboratory Corporation of America, LabCorp); PubMed 25492507 (cited by Women's Health and Genetics/Laboratory Corporation of America, LabCorp and Ambry Genetics); PubMed 26708955 (cited by Women's Health and Genetics/Laboratory Corporation of America, LabCorp and Quest Diagnostics Nichols Institute San Juan Capistrano); PubMed 24697796 (cited by Women's Health and Genetics/Laboratory Corporation of America, LabCorp and Sema4); PubMed 20558957 (cited by Women's Health and Genetics/Laboratory Corporation of America, LabCorp); PubMed 25880441 (cited by Women's Health and Genetics/Laboratory Corporation of America, LabCorp); PubMed 28456595 (cited by Women's Health and Genetics/Laboratory Corporation of America, LabCorp); PubMed 28603918 (cited by Women's Health and Genetics/Laboratory Corporation of America, LabCorp and Quest Diagnostics Nichols Institute San Juan Capistrano); PubMed 29805046 (cited by Women's Health and Genetics/Laboratory Corporation of America, LabCorp); PubMed 15716623 (cited by Women's Health and Genetics/Laboratory Corporation of America, LabCorp); PubMed 27324553 (cited by Women's Health and Genetics/Laboratory Corporation of America, LabCorp); PubMed 29216686 (cited by Women's Health and Genetics/Laboratory Corporation of America, LabCorp and Quest Diagnostics Nichols Institute San Juan Capistrano); PubMed 17719933 (cited by 3 submitters); PubMed 31808782 (cited by Women's Health and Genetics/Laboratory Corporation of America, LabCorp and Quest Diagnostics Nichols Institute San Juan Capistrano); PubMed 32025909 (cited by Women's Health and Genetics/Laboratory Corporation of America, LabCorp and Quest Diagnostics Nichols Institute San Juan Capistrano); PubMed 27578509 (cited by 3 submitters); PubMed 20052366 (cited by Women's Health and Genetics/Laboratory Corporation of America, LabCorp); PubMed 31940241 (cited by Women's Health and Genetics/Laboratory Corporation of America, LabCorp and Quest Diagnostics Nichols Institute San Juan Capistrano); PubMed 32084388 (cited by Women's Health and Genetics/Laboratory Corporation of America, LabCorp); PubMed 33374015 (cited by Women's Health and Genetics/Laboratory Corporation of America, LabCorp and Quest Diagnostics Nichols Institute San Juan Capistrano); PubMed 33502066 (cited by Women's Health and Genetics/Laboratory Corporation of America, LabCorp and Quest Diagnostics Nichols Institute San Juan Capistrano); PubMed 38388235 (cited by Women's Health and Genetics/Laboratory Corporation of America, LabCorp); PubMed 15463840 (cited by 3 submitters); PubMed 21779199 (cited by Ambry Genetics); PubMed 22483971 (cited by Ambry Genetics and Quest Diagnostics Nichols Institute San Juan Capistrano); PubMed 30450785 (cited by Quest Diagnostics Nichols Institute San Juan Capistrano and Sema4); PubMed 16187186 (cited by Quest Diagnostics Nichols Institute San Juan Capistrano and Sema4); PubMed 23921386 (cited by Quest Diagnostics Nichols Institute San Juan Capistrano); PubMed 23514810 (cited by Quest Diagnostics Nichols Institute San Juan Capistrano); PubMed 30420730 (cited by Sema4); PubMed 29173301 (cited by Sema4).